The following is an entry in ClinVar:

ClinVar aggregate classification (germline): Uncertain significance (1 of 4 stars; one submission).

Conditions:
Cardiovascular phenotype. Identifiers: MedGen CN230736.

Submission:

Ambry Genetics
Classification: Uncertain significance for Cardiovascular phenotype. Last evaluated: 2026-07-02. Review status: criteria provided, single submitter. Criteria: Ambry Variant Classification Scheme 2023. Collection method: clinical testing. Allele origin: germline.
Comment: The p.K2170N variant (also known as c.6510A>T), located in coding exon 26 of the APOB gene, results from an A to T substitution at nucleotide position 6510. The lysine at codon 2170 is replaced by asparagine, an amino acid with similar properties. This amino acid position is conserved. In addition, this alteration is predicted to be tolerated by in silico analysis. Based on the available evidence, the clinical significance of this variant remains unclear.

NM_000384.3(APOB):c.6510A>T (p.Lys2170Asn)

Gene: APOB (apolipoprotein B; minus strand). Cytogenetic location: 2p24.1.
Variant type: single nucleotide variant.
Coding change: c.6510A>T on transcript NM_000384.3 (MANE Select); coding-DNA position 6510, A replaced by T.
Protein change: p.Lys2170Asn; replaces lysine 2170 with asparagine.
Molecular consequence: missense variant.
Genome position (GRCh38, 1-based): chr2:21,010,358, T>A on the plus strand (A>T on the coding strand, the complement: APOB is on the minus strand). VCF-style: chr2-21010358-T-A. GRCh37 (hg19) VCF-style: chr2-21233230-T-A.
Other names: short protein forms K2170N.
Identifiers: ClinVar variation 5027241 (VCV005027241.1).